The following is an entry in ClinVar:

NM_002528.7(NTHL1):c.422G>C (p.Gly141Ala)

Gene: NTHL1 (nth like DNA glycosylase 1; minus strand). Cytogenetic location: 16p13.3.
Variant type: single nucleotide variant.
Coding change: c.422G>C on transcript NM_002528.7 (MANE Select); coding-DNA position 422, G replaced by C.
Protein change: p.Gly141Ala; replaces glycine 141 with alanine.
Molecular consequence: missense variant. On other transcripts: intron variant (1).
Genome position (GRCh38, 1-based): chr16:2,044,733, C>G on the plus strand (G>C on the coding strand, the complement: NTHL1 is on the minus strand). VCF-style: chr16-2044733-C-G. GRCh37 (hg19) VCF-style: chr16-2094734-C-G.
Other names: c.92G>C, p.Gly31Ala (NM_001318194.2); c.355-1007G>C (NM_001318193.2); short protein forms G141A, G31A.
Identifiers: ClinVar variation 1023227 (VCV001023227.7), dbSNP rs1306012390, ClinGen allele CA394294411.

ClinVar aggregate classification (germline): Uncertain significance (1 of 4 stars; one submission).

Submission:

Labcorp Genetics (formerly Invitae), Labcorp
Classification: Uncertain significance. Last evaluated: 2019-12-15. Review status: criteria provided, single submitter. Criteria: Invitae Variant Classification Sherloc (09022015). Collection method: clinical testing. Allele origin: germline.
Comment: In summary, the available evidence is currently insufficient to determine the role of this variant in disease. Therefore, it has been classified as a Variant of Uncertain Significance. Algorithms developed to predict the effect of missense changes on protein structure and function output the following: SIFT: "Not Available"; PolyPhen-2: "Benign"; Align-GVGD: "Class Not Available". The alanine amino acid residue is found in multiple mammalian species, suggesting that this missense change does not adversely affect protein function. These predictions have not been confirmed by published functional studies and their clinical significance is uncertain. This variant has not been reported in the literature in individuals with NTHL1-related conditions. This variant is not present in population databases (ExAC no frequency). This sequence change replaces glycine with alanine at codon 149 of the NTHL1 protein (p.Gly149Ala). The glycine residue is moderately conserved and there is a small physicochemical difference between glycine and alanine.